The following is an entry in ClinVar:

NM_173630.4(RTTN):c.351G>C (p.Ser117=)

Gene: RTTN (rotatin; minus strand). Cytogenetic location: 18q22.2.
Variant type: single nucleotide variant.
Coding change: c.351G>C on transcript NM_173630.4 (MANE Select); coding-DNA position 351, G replaced by C.
Protein change: p.Ser117=; no amino-acid change (serine 117 retained).
Molecular consequence: synonymous variant. On other transcripts: 5 prime UTR variant (1).
Genome position (GRCh38, 1-based): chr18:70,204,132, C>G on the plus strand (G>C on the coding strand, the complement: RTTN is on the minus strand). VCF-style: chr18-70204132-C-G. GRCh37 (hg19) VCF-style: chr18-67871368-C-G.
Other names: c.-2203G>C (NM_001318520.2).
Identifiers: ClinVar variation 3067700 (VCV003067700.21), dbSNP rs770162819, ClinGen allele CA504327460.

ClinVar aggregate classification (germline): Likely benign (1 of 4 stars; one submission).

gnomAD v4.1: 1 of 1,613,944 alleles (0.000062%); no homozygotes.

Submission:

CeGaT Center for Human Genetics Tuebingen
Classification: Likely benign. Last evaluated: 2024-03-01. Review status: criteria provided, single submitter. Criteria: CeGaT Center For Human Genetics Tuebingen Variant Classification Criteria Version 2. Collection method: clinical testing. Allele origin: germline. Affected: yes. Observed: 1 variant allele.
Comment: RTTN: PM2:Supporting, BP4, BP7